The following is an entry in ClinVar:

NM_001846.4(COL4A2):c.825+5A>T

Gene: COL4A2 (collagen type IV alpha 2 chain; plus strand). Cytogenetic location: 13q34.
Variant type: single nucleotide variant.
Coding change: c.825+5A>T on transcript NM_001846.4 (MANE Select); 5 bases into the intron after coding-DNA position 825, A replaced by T.
Molecular consequence: intron variant.
Genome position (GRCh38, 1-based): chr13:110,436,372, A>T. VCF-style: chr13-110436372-A-T. GRCh37 (hg19) VCF-style: chr13-111088719-A-T.
Identifiers: ClinVar variation 2800849 (VCV002800849.3), dbSNP rs2502070547, ClinGen allele CA2739277730.

ClinVar aggregate classification (germline): Uncertain significance (1 of 4 stars; one submission).

Submission:

Labcorp Genetics (formerly Invitae), Labcorp
Classification: Uncertain significance. Last evaluated: 2024-01-01. Review status: criteria provided, single submitter. Criteria: Invitae Variant Classification Sherloc (09022015). Collection method: clinical testing. Allele origin: germline.
Comment: This sequence change falls in intron 13 of the COL4A2 gene. It does not directly change the encoded amino acid sequence of the COL4A2 protein. It affects a nucleotide within the consensus splice site. This variant is not present in population databases (gnomAD no frequency). This variant has not been reported in the literature in individuals affected with COL4A2-related conditions. Variants that disrupt the consensus splice site are a relatively common cause of aberrant splicing (PMID: 17576681, 9536098). Algorithms developed to predict the effect of sequence changes on RNA splicing suggest that this variant is not likely to affect RNA splicing. In summary, the available evidence is currently insufficient to determine the role of this variant in disease. Therefore, it has been classified as a Variant of Uncertain Significance.

Literature cited by the submitters: PubMed 17576681; PubMed 9536098.